The following is an entry in ClinVar:

ClinVar aggregate classification (germline): Uncertain significance. Review status: criteria provided, multiple submitters, no conflicts (2 of 4 stars). 2 submissions from 2 submitters: Uncertain significance (2). Last evaluated 2026-03-02.

Conditions:
Familial focal epilepsy with variable foci (FPEVF). Identifiers: Orphanet 98820, MedGen C1858477, MONDO:0020310.

Allele frequency attached by ClinVar (database versions not stated): gnomAD exomes below 0.00001.

Submissions (2):

GeneDx
Classification: Uncertain significance. Last evaluated: 2026-03-02. Review status: criteria provided, single submitter. Criteria: GeneDx Variant Classification Process June 2021. Collection method: clinical testing. Allele origin: germline.
Comment: Not observed at significant frequency in large population cohorts (gnomAD); In silico analysis supports that this missense variant has a deleterious effect on protein structure/function; Has not been previously published as pathogenic or benign to our knowledge

Labcorp Genetics (formerly Invitae), Labcorp
Classification: Uncertain significance for Familial focal epilepsy with variable foci. Last evaluated: 2023-04-17. Review status: criteria provided, single submitter. Criteria: Invitae Variant Classification Sherloc (09022015). Collection method: clinical testing. Allele origin: germline.
Comment: In summary, the available evidence is currently insufficient to determine the role of this variant in disease. Therefore, it has been classified as a Variant of Uncertain Significance. Experimental studies and prediction algorithms are not available or were not evaluated, and the functional significance of this variant is currently unknown. This variant has not been reported in the literature in individuals affected with DEPDC5-related conditions. This variant is present in population databases (no rsID available, gnomAD 0.003%). This sequence change replaces glycine, which is neutral and non-polar, with arginine, which is basic and polar, at codon 962 of the DEPDC5 protein (p.Gly962Arg).

NM_001242896.3(DEPDC5):c.2884G>C (p.Gly962Arg)

Gene: DEPDC5 (DEP domain containing 5, GATOR1 subcomplex subunit; plus strand). Cytogenetic location: 22q12.3.
Variant type: single nucleotide variant.
Coding change: c.2884G>C on transcript NM_001242896.3 (MANE Select); coding-DNA position 2884, G replaced by C.
Protein change: p.Gly962Arg; replaces glycine 962 with arginine.
Molecular consequence: missense variant. On other transcripts: non-coding transcript variant (5).
Genome position (GRCh38, 1-based): chr22:31,845,100, G>C. VCF-style: chr22-31845100-G-C. GRCh37 (hg19) VCF-style: chr22-32241086-G-C.
Other names: c.2884G>C, p.Gly962Arg (NM_001364320.2, NM_001364318.2, NM_001363852.2); c.2800G>C, p.Gly934Arg (NM_001369901.1, NM_001369902.1); c.2857G>C, p.Gly953Arg (NM_001369903.1, NM_014662.6, NM_001136029.4); c.2650G>C, p.Gly884Arg (NM_001364319.2, NM_001242897.2, NM_001363854.2); c.2884G>C (NM_001242896.1); short protein forms G953R, G962R, G884R, G934R.
Identifiers: ClinVar variation 2896170 (VCV002896170.4), dbSNP rs756338392, ClinGen allele CA411291141.
Genomic context (GRCh38, chr22:31,845,100, plus strand): 5'-TGGAGGACCCGCTTCCTGCTGCTGCCAGCCTGTGTCACCGCCACCAAGCGCATCACGGAG[G>C]GGGAGGCCCACTGCGACATCTATGGGGACAGGCCCCGTGCAGACGAGGACGAGTGGCAAC-3'
Protein context (NP_001229825.1, residues 952-972): CVTATKRITE[Gly962Arg]EAHCDIYGDR